The following is an entry in ClinVar:

ClinVar aggregate classification (germline): Likely benign. Review status: criteria provided, multiple submitters, no conflicts (2 of 4 stars). 2 submissions from 2 submitters: Likely benign (2). Last evaluated 2024-10-01.

gnomAD v4.1: 25 of 1,550,026 alleles (0.0016%); highest among the groups gnomAD compares: Non-Finnish European, 0.0022%; no homozygotes.

Submissions (2):

CeGaT Center for Human Genetics Tuebingen
Classification: Likely benign. Last evaluated: 2024-10-01. Review status: criteria provided, single submitter. Criteria: CeGaT Center For Human Genetics Tuebingen Variant Classification Criteria Version 2. Collection method: clinical testing. Allele origin: germline. Affected: yes. Observed: 1 variant allele.
Comment: WDR81: BP4, BP7

Blueprint Genetics
Classification: Likely benign. Last evaluated: 2023-10-10. Review status: criteria provided, single submitter. Criteria: ACMG Guidelines, 2015. Collection method: clinical testing. Allele origin: germline.

NM_001163809.2(WDR81):c.2244G>A (p.Leu748=)

Gene: WDR81 (WD repeat domain 81; plus strand). Cytogenetic location: 17p13.3.
Variant type: single nucleotide variant.
Coding change: c.2244G>A on transcript NM_001163809.2 (MANE Select); coding-DNA position 2244, G replaced by A.
Protein change: p.Leu748=; no amino-acid change (leucine 748 retained).
Molecular consequence: synonymous variant. On other transcripts: intron variant (3).
Genome position (GRCh38, 1-based): chr17:1,727,203, G>A. VCF-style: chr17-1727203-G-A. GRCh37 (hg19) VCF-style: chr17-1630497-G-A.
Other names: c.-123-787G>A (NM_152348.4); c.59-3177G>A (NM_001163673.2); c.-15+2417G>A (NM_001163811.2).
Identifiers: ClinVar variation 3388701 (VCV003388701.15).